The following is an entry in ClinVar:

ClinVar aggregate classification (germline): Pathogenic (1 of 4 stars; one submission).

Submission:

Quest Diagnostics Nichols Institute San Juan Capistrano
Classification: Pathogenic. Last evaluated: 2022-05-25. Review status: criteria provided, single submitter. Criteria: ACMG/ClinGen CNV Guidelines, 2019. Collection method: clinical testing. Allele origin: unknown.
Comment: The copy number loss of 10p15.3 involves multiple exons (NM_006624.7) of the 5' portion of ZMYND11 (OMIM 608668) and is expected to cause phenotypic and/or developmental abnormalities. It is likely that expression of this gene has been disrupted by this partial/almost entire loss. Haploinsufficiency of ZMYND11 is associated with autosomal dominant intellectual developmental disorder-30 (MRD30; OMIM 616083), which is characterized by developmental delay and behavioral phenotypes. A smaller deletion which lies within the current interval has been reported in a patient with speech and motor delays, learning difficulties, and behavioral problems associated with ZMYND11 haploinsufficiency (Huynh 2021). Additionally, there are no similar copy number losses of this region in the general populations of the Database of Genomic Variants. Thus, the classification of this copy number variant (CNV) is pathogenic. References: Huynh et al., Cytogenet Genome Res. 2021;161(8-9):445-448. PMID: 34818214.

GRCh37/hg19 10p15.3(chr10:100027-291134)x1

Gene: ZMYND11 (zinc finger MYND-type containing 11; plus strand). Cytogenetic location: 10p15.3.
Variant type: copy number loss.
Change: copy number 1 (one copy instead of two) of chr10:100,027-291,134 (191.1 kb, GRCh37 coordinates, 1-based), cytogenetic band 10p15.3.
Identifiers: ClinVar variation 1808675 (VCV001808675.1).